The following is an entry in ClinVar:

NM_002458.3(MUC5B):c.5264C>A (p.Thr1755Asn)

Gene: MUC5B (mucin 5B, oligomeric mucus/gel-forming; plus strand). Cytogenetic location: 11p15.5.
Variant type: single nucleotide variant.
Coding change: c.5264C>A on transcript NM_002458.3 (MANE Select); coding-DNA position 5264, C replaced by A.
Protein change: p.Thr1755Asn; replaces threonine 1755 with asparagine.
Molecular consequence: missense variant.
Genome position (GRCh38, 1-based): chr11:1,242,144, C>A. VCF-style: chr11-1242144-C-A. GRCh37 (hg19) VCF-style: chr11-1263374-C-A.
Other names: short protein forms T1755N.
Identifiers: ClinVar variation 2223999 (VCV002223999.3), dbSNP rs369056309, ClinGen allele CA5805629.

ClinVar aggregate classification (germline): Conflicting classifications of pathogenicity. Review status: criteria provided, conflicting classifications (1 of 4 stars). 2 submissions from 2 submitters: Uncertain significance (1); Likely benign (1). Last evaluated 2026-07-17.

Conditions:
MUC5B-related disorder. Also called: MUC5B-related condition.

Allele frequency attached by ClinVar (database versions not stated): ExAC 0.00007; gnomAD 0.00028; ESP Exome Variant Server 0.00054.
gnomAD v4.1: 97 of 1,613,484 alleles (0.006%); highest among the groups gnomAD compares: African/African-American, 0.08%; 1 homozygote.

Submissions (2):

PreventionGenetics, part of Exact Sciences
Classification: Likely benign for MUC5B-related condition. Last evaluated: 2026-07-17. Review status: criteria provided, single submitter. Criteria: ACMG Guidelines, 2015. Collection method: clinical testing. Allele origin: germline.
Comment: This variant is classified as likely benign based on ACMG/AMP sequence variant interpretation guidelines (Richards et al. 2015 PMID: 25741868, with internal and published modifications).

Ambry Genetics
Classification: Uncertain significance. Last evaluated: 2021-08-17. Review status: criteria provided, single submitter. Criteria: Ambry Variant Classification Scheme 2023. Collection method: clinical testing. Allele origin: germline.